The following is an entry in ClinVar:

NM_007217.4(PDCD10):c.243del (p.Arg82fs)

Gene: PDCD10 (programmed cell death 10; minus strand). Cytogenetic location: 3q26.1.
Variant type: Deletion.
Coding change: c.243del on transcript NM_007217.4 (MANE Select); coding-DNA position 243, one base deleted (T; older notation c.243delT).
Protein change: p.Arg82fs; shifts the reading frame from arginine 82.
Molecular consequence: frameshift variant.
Genome position (GRCh38, 1-based): chr3:167,697,034, A deleted on the plus strand (T on the coding strand, the reverse complement: PDCD10 is on the minus strand); the first of 2 consecutive A bases (chr3:167,697,034-167,697,035); deleting either gives the same sequence. VCF-style (leftmost placement, unchanged base first): chr3-167697033-GA-G. GRCh37 (hg19) VCF-style: chr3-167414821-GA-G.
Other names: c.243del, p.Arg82fs (NM_145859.2, NM_145860.2); short protein forms R82fs.
Identifiers: ClinVar variation 2830579 (VCV002830579.3), dbSNP rs2475731012, ClinGen allele CA2739279375.

ClinVar aggregate classification (germline): Pathogenic (1 of 4 stars; one submission).

Conditions:
Cerebral cavernous malformation 3. Also called: Familial Cerebral Cavernous Malformation 3. Identifiers: Orphanet 221061, MedGen C1864040, MONDO:0011305, OMIM 603285.

Submission:

Labcorp Genetics (formerly Invitae), Labcorp
Classification: Pathogenic for Cerebral cavernous malformation 3. Last evaluated: 2023-01-20. Review status: criteria provided, single submitter. Criteria: Invitae Variant Classification Sherloc (09022015). Collection method: clinical testing. Allele origin: germline.
Comment: For these reasons, this variant has been classified as Pathogenic. This variant has not been reported in the literature in individuals affected with PDCD10-related conditions. This variant is not present in population databases (gnomAD no frequency). This sequence change creates a premature translational stop signal (p.Arg82Valfs*7) in the PDCD10 gene. It is expected to result in an absent or disrupted protein product. Loss-of-function variants in PDCD10 are known to be pathogenic (PMID: 15543491, 18300272, 23801932).

Literature cited by the submitters: PubMed 15543491; PubMed 18300272; PubMed 23801932.